The following is an entry in ClinVar:

ClinVar aggregate classification (germline): Uncertain significance. Review status: criteria provided, multiple submitters, no conflicts (2 of 4 stars). 3 submissions from 3 submitters: Uncertain significance (3). Last evaluated 2025-02-26.

Conditions:
Mendelian susceptibility to mycobacterial diseases due to complete ISG15 deficiency. Also called: IMMUNODEFICIENCY 38, MYCOBACTERIOSIS, AUTOSOMAL RECESSIVE; ISG15 DEFICIENCY, AUTOSOMAL RECESSIVE; Immunodeficiency 38 with basal ganglia calcification; Immunodeficiency 38. Identifiers: Orphanet 319563, MedGen C4015293, MONDO:0014502, OMIM 616126.

Allele frequency attached by ClinVar (database versions not stated): gnomAD exomes 0.00002 and 0.00008; gnomAD 0.00003; TOPMed 0.00005; ExAC 0.00009.

Submissions (3):

Ambry Genetics
Classification: Uncertain significance. Last evaluated: 2025-02-26. Review status: criteria provided, single submitter. Criteria: Ambry Variant Classification Scheme 2023. Collection method: clinical testing. Allele origin: germline.

Mayo Clinic Laboratories, Mayo Clinic
Classification: Uncertain significance. Last evaluated: 2024-05-07. Review status: criteria provided, single submitter. Criteria: ACMG Guidelines, 2015. Collection method: clinical testing. Allele origin: germline. Observed: 1 variant allele.
Comment: BP1

Labcorp Genetics (formerly Invitae), Labcorp
Classification: Uncertain significance for Mendelian susceptibility to mycobacterial diseases due to complete ISG15 deficiency. Last evaluated: 2022-08-06. Review status: criteria provided, single submitter. Criteria: Invitae Variant Classification Sherloc (09022015). Collection method: clinical testing. Allele origin: germline.
Comment: This sequence change replaces threonine, which is neutral and polar, with methionine, which is neutral and non-polar, at codon 70 of the ISG15 protein (p.Thr70Met). This variant is present in population databases (rs771961878, gnomAD 0.06%). This variant has not been reported in the literature in individuals affected with ISG15-related conditions. ClinVar contains an entry for this variant (Variation ID: 1505596). Algorithms developed to predict the effect of missense changes on protein structure and function output the following: SIFT: "Tolerated"; PolyPhen-2: "Possibly Damaging"; Align-GVGD: "Class C0". The methionine amino acid residue is found in multiple mammalian species, which suggests that this missense change does not adversely affect protein function. In summary, the available evidence is currently insufficient to determine the role of this variant in disease. Therefore, it has been classified as a Variant of Uncertain Significance.

NM_005101.4(ISG15):c.209C>T (p.Thr70Met)

Gene: ISG15 (ISG15 ubiquitin like modifier; plus strand). Cytogenetic location: 1p36.33.
Variant type: single nucleotide variant.
Coding change: c.209C>T on transcript NM_005101.4 (MANE Select); coding-DNA position 209, C replaced by T.
Protein change: p.Thr70Met; replaces threonine 70 with methionine.
Molecular consequence: missense variant.
Genome position (GRCh38, 1-based): chr1:1,014,189, C>T. VCF-style: chr1-1014189-C-T. GRCh37 (hg19) VCF-style: chr1-949569-C-T.
Other names: p.Thr70Met; c.209C>T (NM_005101.3); short protein forms T70M.
Identifiers: ClinVar variation 1505596 (VCV001505596.6), dbSNP rs771961878, ClinGen allele CA507647.